The following is an entry in ClinVar:

NM_001042492.3(NF1):c.453del (p.Asn151fs)

Gene: NF1 (neurofibromin 1; plus strand). Cytogenetic location: 17q11.2.
Variant type: Deletion.
Coding change: c.453del on transcript NM_001042492.3 (MANE Select); coding-DNA position 453, one base deleted (T; older notation c.453delT).
Protein change: p.Asn151fs; shifts the reading frame from asparagine 151.
Molecular consequence: frameshift variant.
Genome position (GRCh38, 1-based): chr17:31,163,350, T deleted. VCF-style (leftmost placement, unchanged base first): chr17-31163349-AT-A. GRCh37 (hg19) VCF-style: chr17-29490367-AT-A.
Other names: c.453delT (NM_000267.3); c.453delT, p.Asn151Lysfs (NM_000267.4); c.453del, p.Asn151fs (NM_001128147.3); short protein forms N151fs.
Identifiers: ClinVar variation 3237789 (VCV003237789.1), dbSNP rs2544701563.
Genomic context (GRCh38, chr17:31,163,349, plus strand): 5'-CAGCTGAACTTCGGAATTCTGCCTCTGGGGTTTTATTTTCTCTCAGCTGCAACAACTTCA[AT>A]GCAGTCTTTAGTCGCATTTCTACCAGGTTAGTGTGTAAATCCACATGGGACTACTGAAGT-3'

ClinVar aggregate classification (germline): Pathogenic (1 of 4 stars; one submission).

Conditions:
Hereditary cancer-predisposing syndrome. Also called: Neoplastic Syndromes, Hereditary; Tumor predisposition; Hereditary neoplastic syndrome; Hereditary Cancer Syndrome. Identifiers: Orphanet 140162, MedGen C0027672, MeSH D009386, MONDO:0015356.
Cardiovascular phenotype. Identifiers: MedGen CN230736.

Submission:

Ambry Genetics
Classification: Pathogenic for Cardiovascular phenotype; Hereditary cancer-predisposing syndrome. Last evaluated: 2023-01-04. Review status: criteria provided, single submitter. Criteria: Ambry Variant Classification Scheme 2023. Collection method: clinical testing. Allele origin: germline.
Comment: The c.453delT pathogenic mutation, located in coding exon 4 of the NF1 gene, results from a deletion of one nucleotide at nucleotide position 453, causing a translational frameshift with a predicted alternate stop codon (p.N151Kfs*14). This alteration is expected to result in loss of function by premature protein truncation or nonsense-mediated mRNA decay. As such, this alteration is interpreted as a disease-causing mutation.